The following is an entry in ClinVar:

NM_000844.4(GRM7):c.368T>C (p.Val123Ala)

Gene: GRM7 (glutamate metabotropic receptor 7; plus strand). Cytogenetic location: 3p26.1.
Variant type: single nucleotide variant.
Coding change: c.368T>C on transcript NM_000844.4 (MANE Select); coding-DNA position 368, T replaced by C.
Protein change: p.Val123Ala; replaces valine 123 with alanine.
Molecular consequence: missense variant.
Genome position (GRCh38, 1-based): chr3:6,861,756, T>C. VCF-style: chr3-6861756-T-C. GRCh37 (hg19) VCF-style: chr3-6903443-T-C.
Other names: c.368T>C, p.Val123Ala (NM_181874.3); short protein forms V123A.
Identifiers: ClinVar variation 1356533 (VCV001356533.8), dbSNP rs2124924479, ClinGen allele CA351796803.

ClinVar aggregate classification (germline): Uncertain significance (1 of 4 stars; one submission).

Submission:

Labcorp Genetics (formerly Invitae), Labcorp
Classification: Uncertain significance. Last evaluated: 2021-12-03. Review status: criteria provided, single submitter. Criteria: Invitae Variant Classification Sherloc (09022015). Collection method: clinical testing. Allele origin: germline.
Comment: Algorithms developed to predict the effect of missense changes on protein structure and function are either unavailable or do not agree on the potential impact of this missense change (SIFT: "Deleterious"; PolyPhen-2: "Possibly Damaging"; Align-GVGD: "Class C0"). This variant has not been reported in the literature in individuals affected with GRM7-related conditions. This variant is not present in population databases (gnomAD no frequency). This sequence change replaces valine, which is neutral and non-polar, with alanine, which is neutral and non-polar, at codon 123 of the GRM7 protein (p.Val123Ala). In summary, the available evidence is currently insufficient to determine the role of this variant in disease. Therefore, it has been classified as a Variant of Uncertain Significance.